The following is an entry in ClinVar:

ClinVar aggregate classification (germline): Conflicting classifications of pathogenicity. Review status: criteria provided, conflicting classifications (1 of 4 stars). 10 submissions from 10 submitters: Uncertain significance (1); Benign (2); Likely benign (7). Last evaluated 2026-09-01.

Conditions:
Inborn genetic diseases. Identifiers: MedGen C0950123, MeSH D030342.
Fanconi anemia (FA). Also called: Fanconi's anemia. Identifiers: Orphanet 84, MedGen C0015625, MeSH D005199, MONDO:0019391.
Fanconi anemia complementation group A (FANCA). Also called: FANCA-Related Fanconi Anemia; Fanconi anemia, group A. Identifiers: Orphanet 84, MedGen C3469521, MONDO:0009215, OMIM 227650.

Allele frequency attached by ClinVar (database versions not stated): 1000 Genomes Project 30x 0.00047; ESP Exome Variant Server 0.00200; gnomAD exomes 0.00224 and 0.00157; 1000 Genomes Project 0.00060; gnomAD 0.00160 and 0.00184; TOPMed 0.00166; ExAC 0.00167.
gnomAD v4.1: 3,535 of 1,613,696 alleles (0.22%); highest among the groups gnomAD compares: Non-Finnish European, 0.26%; 7 homozygotes.

Submissions (10):

CeGaT Center for Human Genetics Tuebingen
Classification: Likely benign. Last evaluated: 2026-09-01. Review status: criteria provided, single submitter. Criteria: CeGaT Center For Human Genetics Tuebingen Variant Classification Criteria Version 2. Collection method: clinical testing. Allele origin: germline. Affected: yes. Observed: 31 variant alleles.
Comment: FANCA: BP4, BP7

Labcorp Genetics (formerly Invitae), Labcorp
Classification: Benign for Fanconi anemia. Last evaluated: 2026-01-30. Review status: criteria provided, single submitter. Criteria: Invitae Variant Classification Sherloc (09022015). Collection method: clinical testing. Allele origin: germline.

Mayo Clinic Laboratories, Mayo Clinic
Classification: Likely benign. Last evaluated: 2025-08-27. Review status: criteria provided, single submitter. Criteria: ACMG Guidelines, 2015. Collection method: clinical testing. Allele origin: germline. Observed: 4 variant alleles.
Comment: BP4, BP7

Quest Diagnostics Nichols Institute San Juan Capistrano
Classification: Benign. Last evaluated: 2025-05-20. Review status: criteria provided, single submitter. Criteria: Quest Diagnostics criteria. Collection method: clinical testing. Allele origin: unknown.

Blueprint Genetics
Classification: Likely benign. Last evaluated: 2024-11-19. Review status: criteria provided, single submitter. Criteria: ACMG Guidelines, 2015. Collection method: clinical testing. Allele origin: germline.

Ambry Genetics
Classification: Likely benign for Inborn genetic diseases. Last evaluated: 2024-10-02. Review status: criteria provided, single submitter. Criteria: Ambry Variant Classification Scheme 2023. Collection method: clinical testing. Allele origin: germline.

KCCC/NGS Laboratory, Kuwait Cancer Control Center
Classification: Likely benign for Fanconi anemia complementation group A. Last evaluated: 2023-07-07. Review status: criteria provided, single submitter. Criteria: ACMG Guidelines, 2015. Collection method: clinical testing. Allele origin: germline. Affected: yes.

GeneDx
Classification: Likely benign. Last evaluated: 2021-03-19. Review status: criteria provided, single submitter. Criteria: GeneDx Variant Classification Process June 2021. Collection method: clinical testing. Allele origin: germline. Affected: yes.
Comment: This variant is associated with the following publications: (PMID: 23021409)

Sema4
Classification: Likely benign for Fanconi anemia. Last evaluated: 2020-10-22. Review status: criteria provided, single submitter. Criteria: Sema4 Curation Guidelines. Collection method: curation. Allele origin: germline.

Illumina Laboratory Services, Illumina
Classification: Uncertain significance for Fanconi anemia complementation group A. Last evaluated: 2018-01-12. Review status: criteria provided, single submitter. Criteria: ICSL Variant Classification Criteria 13 December 2019. Collection method: clinical testing. Allele origin: germline.

Literature cited by the submitters: PubMed 23021409 (cited by Quest Diagnostics Nichols Institute San Juan Capistrano and Sema4); PubMed 32235514 (cited by Quest Diagnostics Nichols Institute San Juan Capistrano).

NM_000135.4(FANCA):c.694A>C (p.Arg232=)

Gene: FANCA (FA complementation group A; minus strand). Cytogenetic location: 16q24.3.
Variant type: single nucleotide variant.
Coding change: c.694A>C on transcript NM_000135.4 (MANE Select); coding-DNA position 694, A replaced by C.
Protein change: p.Arg232=; no amino-acid change (arginine 232 retained).
Molecular consequence: synonymous variant.
Genome position (GRCh38, 1-based): chr16:89,805,295, T>G on the plus strand (A>C on the coding strand, the complement: FANCA is on the minus strand). VCF-style: chr16-89805295-T-G. GRCh37 (hg19) VCF-style: chr16-89871703-T-G.
Other names: p.Arg232=; c.694A>C, p.Arg232= (NM_001018112.3, NM_001286167.3); c.598A>C, p.Arg200= (NM_001351830.2); c.694A>C (LRG_495t1).
Identifiers: ClinVar variation 237055 (VCV000237055.58), dbSNP rs61757384, ClinGen allele CA8252854.